The following is an entry in ClinVar:

NM_020975.6(RET):c.2531G>A (p.Arg844Gln)

Gene: RET (ret proto-oncogene; plus strand). Cytogenetic location: 10q11.21.
Variant type: single nucleotide variant.
Coding change: c.2531G>A on transcript NM_020975.6 (MANE Select); coding-DNA position 2531, G replaced by A.
Protein change: p.Arg844Gln; replaces arginine 844 with glutamine.
Molecular consequence: missense variant.
Genome position (GRCh38, 1-based): chr10:43,119,669, G>A. VCF-style: chr10-43119669-G-A. GRCh37 (hg19) VCF-style: chr10-43615117-G-A.
Other names: p.Arg844Gln; c.2531G>A (NM_020630.5); c.2531G>A, p.Arg844Gln (NM_000323.2, NM_001406743.1, NM_001406744.1 and 4 more transcripts); c.1769G>A, p.Arg590Gln (NM_001355216.2); c.2402G>A, p.Arg801Gln (NM_001406761.1, NM_001406762.1, NM_001406764.1); c.2396G>A, p.Arg799Gln (NM_001406763.1, NM_001406765.1); c.1805G>A, p.Arg602Gln (NM_001406775.1, NM_001406776.1, NM_001406777.1 and 1 more transcripts); c.1634G>A, p.Arg545Gln (NM_001406779.1, NM_001406780.1, NM_001406781.1 and 1 more transcripts); and 12 more; short protein forms R590Q, R361Q, R500Q, R698Q, R748Q, R502Q, R756Q, R409Q.
Identifiers: ClinVar variation 24951 (VCV000024951.64), dbSNP rs55947360, ClinGen allele CA008877.

ClinVar aggregate classification (germline): Conflicting classifications of pathogenicity. Review status: criteria provided, conflicting classifications (1 of 4 stars). 16 submissions from 15 submitters: Uncertain significance (12); Benign (1); Likely benign (2). 1 of the submissions does not count toward it. Last evaluated 2026-05-08.

Conditions:
Hereditary cancer-predisposing syndrome. Also called: Neoplastic Syndromes, Hereditary; Tumor predisposition; Hereditary neoplastic syndrome; Hereditary Cancer Syndrome. Identifiers: Orphanet 140162, MedGen C0027672, MeSH D009386, MONDO:0015356.
Multiple endocrine neoplasia, type 2 (MEN2). Identifiers: Orphanet 653, MedGen C4048306, MONDO:0019003. Disease mechanism: gain of function.
Hirschsprung disease, susceptibility to, 1 (HSCR1). Also called: RET-Related Hirschsprung Disease. Identifiers: Orphanet 388, MedGen C3888239, MONDO:0007723, OMIM 142623.
Multiple endocrine neoplasia type 2A. Also called: MULTIPLE ENDOCRINE NEOPLASIA, TYPE IIA; PTC SYNDROME; SIPPLE SYNDROME; MEN 2A; MEN-2A syndrome; Pheochromocytoma and amyloid producing medullary thyroid carcinoma. Identifiers: Orphanet 247698, Orphanet 653, MedGen C0025268, MeSH D018813, MONDO:0008234, OMIM 171400.
Familial medullary thyroid carcinoma (MTC). Also called: Thyroid cancer, familial medullary; MTC, familial; Familial Medullary Thyroid Carcinoma (FMTC). Identifiers: Orphanet 653, Orphanet 99361, MedGen C1833921, MONDO:0007958, OMIM 155240.

Allele frequency attached by ClinVar (database versions not stated): TOPMed 0.00010.
gnomAD v4.1: 43 of 1,613,272 alleles (0.0027%); highest among the groups gnomAD compares: Admixed American, 0.0083%; no homozygotes.

Submissions 1 to 9 of 16:

Women's Health and Genetics/Laboratory Corporation of America, LabCorp
Classification: Likely benign. Last evaluated: 2026-05-08. Review status: criteria provided, single submitter. Criteria: LabCorp Variant Classification Summary - May 2015. Collection method: clinical testing. Allele origin: germline.
Comment: Variant summary: RET c.2531G>A (p.Arg844Gln) results in a conservative amino acid change in the encoded protein sequence. Algorithms developed to predict the effect of missense changes on protein structure and function are either unavailable or do not agree on the potential impact of this missense change. The variant allele was found at a frequency of 4e-05 in 250724 control chromosomes. The observed variant frequency exceeds the estimated maximal expected allele frequency for disease-causing variants in RET. c.2531G>A has been observed in individuals affected with medullary thyroid carcinoma or pheochromocytoma (Paszko_2007, Kaczmarek-Rys_2018, Ben Aim_2019, Lopez_2022). However, these reports do not provide unequivocal conclusions about association of the variant with Multiple Endocrine Neoplasia Type 2/Familial Medullary Thyroid Carcinoma. At least one publication reports experimental evidence evaluating an impact on protein function. These results did not show that the variant resulted in a significant change in RET function compared to the wildtype protein (Huang_2018). The following publications have been ascertained in the context of this evaluation (PMID: 30877234, 29625052, 29386230, 35189708, 18058472). ClinVar contains an entry for this variant (Variation ID: 24951). Based on the evidence outlined above, the variant was classified as likely benign.

Labcorp Genetics (formerly Invitae), Labcorp
Classification: Uncertain significance for Multiple endocrine neoplasia, type 2. Last evaluated: 2026-01-14. Review status: criteria provided, single submitter. Criteria: Invitae Variant Classification Sherloc (09022015). Collection method: clinical testing. Allele origin: germline.
Comment: This sequence change replaces arginine, which is basic and polar, with glutamine, which is neutral and polar, at codon 844 of the RET protein (p.Arg844Gln). This variant is present in population databases (rs55947360, gnomAD 0.01%). This missense change has been observed in individual(s) with familial medullary thyroid carcinoma (PMID: 18058472, 24699901, 25425582, 30877234, 35189708). ClinVar contains an entry for this variant (Variation ID: 24951). An algorithm developed to predict the effect of missense changes on protein structure and function (PolyPhen-2) suggests that this variant is likely to be tolerated. Experimental studies have shown that this missense change does not substantially affect RET function (PMID: 29625052). In summary, the available evidence is currently insufficient to determine the role of this variant in disease. Therefore, it has been classified as a Variant of Uncertain Significance.

Dasa
Classification: Uncertain significance. Last evaluated: 2025-06-07. Review status: criteria provided, single submitter. Criteria: DASA Assertion Criteria. Collection method: clinical testing. Allele origin: germline.
Comment: NM_020975.6(RET):c.2531G>A (p.Arg844Gln) is a missense variant that results in the substitution of arginine with glutamine. This variant is rare in population databases. Computational prediction algorithms are consistent with a deleterious effect. The currently available literature and clinical evidence are not sufficient to establish a definitive association between this variant and the reported condition. Therefore, this variant is classified as a variant of uncertain significance.

Quest Diagnostics Nichols Institute San Juan Capistrano
Classification: Uncertain significance. Last evaluated: 2024-10-04. Review status: criteria provided, single submitter. Criteria: Quest Diagnostics criteria. Collection method: clinical testing. Allele origin: unknown.
Comment: The RET c.2531G>A (p.Arg844Gln) variant has been reported in the published literature as an American Thyroid Association (ATA)-moderate risk MTC variant associated with a milder phenotype, reduced penetrance, and as a result, a delay for the recommended prophylactic thyroidectomy (PMIDs: 29590403 (2018), 25425582 (2015)). One in vitro study indicates that this variant shows a modest impact on RET activity and further investigations are needed to determine this variant's overall effects on RET protein function (PMID: 29625052 (2018)). The frequency of this variant in the general population, 0.00011 (4/35408 chromosomes (Genome Aggregation Database)), is uninformative in the assessment of its pathogenicity. Analysis of this variant using bioinformatics tools for the prediction of the effect of amino acid changes on protein structure and function yielded predictions that this variant is damaging. Based on the available information, we are unable to determine the clinical significance of this variant.

Myriad Genetics, Inc.
Classification: Likely benign for Multiple endocrine neoplasia type 2A. Last evaluated: 2024-08-13. Review status: criteria provided, single submitter. Criteria: Myriad Autosomal Dominant, Autosomal Recessive and X-Linked Classification Criteria (2023). Collection method: clinical testing. Allele origin: unknown.
Comment: This variant is considered likely benign. This variant has been observed at a population frequency that is significantly greater than expected given the associated disease prevalence and penetrance.

CeGaT Center for Human Genetics Tuebingen
Classification: Uncertain significance. Last evaluated: 2024-04-01. Review status: criteria provided, single submitter. Criteria: CeGaT Center For Human Genetics Tuebingen Variant Classification Criteria Version 2. Collection method: clinical testing. Allele origin: germline. Affected: yes. Observed: 2 variant alleles.
Comment: RET: PM5, PM2:Supporting, PS4:Supporting, BS3:Supporting

Blueprint Genetics
Classification: Uncertain significance. Last evaluated: 2024-03-14. Review status: criteria provided, single submitter. Criteria: ACMG Guidelines, 2015. Collection method: clinical testing. Allele origin: germline.

Color Diagnostics, LLC DBA Color Health
Classification: Uncertain significance for Multiple endocrine neoplasia, type 2. Last evaluated: 2023-12-07. Review status: criteria provided, single submitter. Criteria: ACMG Guidelines, 2015. Collection method: clinical testing. Allele origin: germline.
Comment: This missense variant replaces arginine with glutamine at codon 844 of the RET protein. Computational prediction suggests that this variant may have deleterious impact on protein structure and function. Functional studies have shown that this variant protein does not change kinase activity compared to wild-type RET in transfected cells (PMID: 29625052). This variant has been observed in an individual affected with pheochromocytoma (PMID: 30877234) and in at least three individuals affected with medullary thyroid cancer (PMID: 9506724, 18058472, 29386230). This variant has been identified in 11/282062 chromosomes in the general population by the Genome Aggregation Database (gnomAD). The available evidence is insufficient to determine the role of this variant in disease conclusively. Therefore, this variant is classified as a Variant of Uncertain Significance.

Baylor Genetics
Classification: Uncertain significance for Hirschsprung disease, susceptibility to, 1. Last evaluated: 2023-10-13. Review status: criteria provided, single submitter. Criteria: ACMG Guidelines, 2015. Collection method: clinical testing. Allele origin: unknown.